The following is an entry in ClinVar:

NM_016373.4(WWOX):c.1057C>T (p.Gln353Ter)

Genes: MAF (MAF bZIP transcription factor; minus strand), WWOX (WW domain containing oxidoreductase; plus strand). Cytogenetic location: 16q23.2.
Variant type: single nucleotide variant.
Coding change: c.1057C>T on transcript NM_016373.4 (MANE Select); coding-DNA position 1057, C replaced by T.
Protein change: p.Gln353Ter; replaces glutamine 353 with a stop codon.
Molecular consequence: nonsense.
Genome position (GRCh38, 1-based): chr16:79,211,608, C>T. VCF-style: chr16-79211608-C-T. GRCh37 (hg19) VCF-style: chr16-79245505-C-T.
Other names: c.718C>T, p.Gln240Ter (NM_001291997.2); short protein forms Q353*, Q240*.
Identifiers: ClinVar variation 1381570 (VCV001381570.6), dbSNP rs770155582, ClinGen allele CA284131157.

ClinVar aggregate classification (germline): Pathogenic (1 of 4 stars; one submission).

Conditions:
Autosomal recessive spinocerebellar ataxia 12. Also called: SPINOCEREBELLAR ATAXIA WITH MENTAL RETARDATION AND EPILEPSY. Identifiers: Orphanet 284282, MedGen C3280452, MONDO:0013687, OMIM 614322.
Developmental and epileptic encephalopathy, 1 (DEE1). Also called: X-linked infantile spasms; West's syndrome; Tonic spasms with clustering, arrest of psychomotor development and hypsarrhythmia on EEG; X-Linked Infantile Spasm Syndrome; OHTAHARA SYNDROME, X-LINKED; INFANTILE SPASM SYNDROME, X-LINKED 1. Identifiers: MedGen C3463992, MONDO:0010632, OMIM 308350. Disease mechanism: loss of function.

gnomAD v4.1: 23 of 1,614,158 alleles (0.0014%); highest among the groups gnomAD compares: Non-Finnish European, 0.0019%; no homozygotes.

Submission:

Labcorp Genetics (formerly Invitae), Labcorp
Classification: Pathogenic for Developmental and epileptic encephalopathy, 1; Autosomal recessive spinocerebellar ataxia 12. Last evaluated: 2025-12-24. Review status: criteria provided, single submitter. Criteria: Invitae Variant Classification Sherloc (09022015). Collection method: clinical testing. Allele origin: germline.
Comment: This sequence change creates a premature translational stop signal (p.Gln353*) in the WWOX gene. While this is not anticipated to result in nonsense mediated decay, it is expected to disrupt the last 62 amino acid(s) of the WWOX protein. This variant is not present in population databases (gnomAD no frequency). This variant has not been reported in the literature in individuals affected with WWOX-related conditions. ClinVar contains an entry for this variant (Variation ID: 1381570). This variant disrupts a region of the WWOX protein in which other variant(s) (p.Gly372*) have been determined to be pathogenic (PMID: 31780880; internal data). This suggests that this is a clinically significant region of the protein, and that variants that disrupt it are likely to be disease-causing. For these reasons, this variant has been classified as Pathogenic.

Literature cited by the submitters: PubMed 31780880.